The following is an entry in ClinVar:

ClinVar aggregate classification (germline): Uncertain significance. Review status: criteria provided, multiple submitters, no conflicts (2 of 4 stars). 7 submissions from 7 submitters: Uncertain significance (7). Last evaluated 2025-02-20.

Conditions:
Bardet-Biedl syndrome 20. Identifiers: MedGen C4310707, MONDO:0023670, OMIM 619471, MONDO:0014926.
Retinitis pigmentosa 71 (RP71). Identifiers: Orphanet 791, MedGen C4225342, MONDO:0014618, OMIM 616394.
Short-rib thoracic dysplasia 10 with or without polydactyly (SRTD10). Identifiers: Orphanet 474, MedGen C3810175, MONDO:0014284, OMIM 615630.
Inborn genetic diseases. Identifiers: MedGen C0950123, MeSH D030342.
IFT172-related disorder. Also called: IFT172-related condition; IFT172-related disorders.

Allele frequency attached by ClinVar (database versions not stated): ExAC 0.00001; gnomAD exomes 0.00001; gnomAD 0.00002; TOPMed 0.00002.
gnomAD v4.1: 23 of 1,614,074 alleles (0.0014%); highest among the groups gnomAD compares: African/African-American, 0.004%; no homozygotes.

Submissions (7):

PreventionGenetics, part of Exact Sciences
Classification: Uncertain significance for IFT172-related condition. Last evaluated: 2025-02-20. Review status: criteria provided, single submitter. Criteria: ACMG Guidelines, 2015. Collection method: clinical testing. Allele origin: germline.
Comment: The IFT172 c.3197G>A variant is predicted to result in the amino acid substitution p.Arg1066Gln. To our knowledge, this variant has not been reported in the literature. This variant is reported in 0.0054% of alleles in individuals of East Asian descent in gnomAD. At this time, the clinical significance of this variant is uncertain due to the absence of conclusive functional and genetic evidence.

Fulgent Genetics
Classification: Uncertain significance for Short-rib thoracic dysplasia 10 with or without polydactyly; Retinitis pigmentosa 71; Bardet-Biedl syndrome 20. Last evaluated: 2024-03-11. Review status: criteria provided, single submitter. Criteria: ACMG Guidelines, 2015. Collection method: clinical testing. Allele origin: germline.

Ambry Genetics
Classification: Uncertain significance for Inborn genetic diseases. Last evaluated: 2022-09-06. Review status: criteria provided, single submitter. Criteria: Ambry Variant Classification Scheme 2023. Collection method: clinical testing. Allele origin: germline.

Blueprint Genetics
Classification: Uncertain significance. Last evaluated: 2022-05-20. Review status: criteria provided, single submitter. Criteria: ACMG Guidelines, 2015. Collection method: clinical testing. Allele origin: germline.

GeneDx
Classification: Uncertain significance. Last evaluated: 2022-02-02. Review status: criteria provided, single submitter. Criteria: GeneDx Variant Classification Process June 2021. Collection method: clinical testing. Allele origin: germline. Affected: yes.
Comment: Not observed at significant frequency in large population cohorts (gnomAD); In silico analysis supports that this missense variant has a deleterious effect on protein structure/function; Has not been previously published as pathogenic or benign to our knowledge

Revvity Omics, Revvity
Classification: Uncertain significance. Last evaluated: 2021-12-05. Review status: criteria provided, single submitter. Criteria: ACMG Guidelines, 2015. Collection method: clinical testing. Allele origin: germline.

Labcorp Genetics (formerly Invitae), Labcorp
Classification: Uncertain significance for Retinitis pigmentosa 71; Short-rib thoracic dysplasia 10 with or without polydactyly. Last evaluated: 2020-08-30. Review status: criteria provided, single submitter. Criteria: Invitae Variant Classification Sherloc (09022015). Collection method: clinical testing. Allele origin: germline.
Comment: This sequence change replaces arginine with glutamine at codon 1066 of the IFT172 protein (p.Arg1066Gln). The arginine residue is moderately conserved and there is a small physicochemical difference between arginine and glutamine. This variant is present in population databases (rs759282959, ExAC 0.01%). This variant has not been reported in the literature in individuals with IFT172-related conditions. Algorithms developed to predict the effect of missense changes on protein structure and function are either unavailable or do not agree on the potential impact of this missense change (SIFT: "Tolerated"; PolyPhen-2: "Possibly Damaging"; Align-GVGD: "Class C0"). In summary, the available evidence is currently insufficient to determine the role of this variant in disease. Therefore, it has been classified as a Variant of Uncertain Significance.

NM_015662.3(IFT172):c.3197G>A (p.Arg1066Gln)

Gene: IFT172 (intraflagellar transport 172; minus strand). Cytogenetic location: 2p23.3.
Variant type: single nucleotide variant.
Coding change: c.3197G>A on transcript NM_015662.3 (MANE Select); coding-DNA position 3197, G replaced by A.
Protein change: p.Arg1066Gln; replaces arginine 1066 with glutamine.
Molecular consequence: missense variant.
Genome position (GRCh38, 1-based): chr2:27,457,670, C>T on the plus strand (G>A on the coding strand, the complement: IFT172 is on the minus strand). VCF-style: chr2-27457670-C-T. GRCh37 (hg19) VCF-style: chr2-27680537-C-T.
Other names: c.3197G>A (NM_015662.1); short protein forms R1066Q.
Identifiers: ClinVar variation 1039239 (VCV001039239.14), dbSNP rs759282959, ClinGen allele CA1580059.